The following is an entry in ClinVar:

NM_144643.4(SCLT1):c.531T>A (p.Phe177Leu)

Gene: SCLT1 (sodium channel and clathrin linker 1; minus strand). Cytogenetic location: 4q28.2.
Variant type: single nucleotide variant.
Coding change: c.531T>A on transcript NM_144643.4 (MANE Select); coding-DNA position 531, T replaced by A.
Protein change: p.Phe177Leu; replaces phenylalanine 177 with leucine.
Molecular consequence: missense variant.
Genome position (GRCh38, 1-based): chr4:128,999,690, A>T on the plus strand (T>A on the coding strand, the complement: SCLT1 is on the minus strand). VCF-style: chr4-128999690-A-T. GRCh37 (hg19) VCF-style: chr4-129920845-A-T.
Other names: c.531T>A (NM_144643.2, NM_144643.3); short protein forms F177L.
Identifiers: ClinVar variation 1403447 (VCV001403447.6), dbSNP rs200312901, ClinGen allele CA3079918.

ClinVar aggregate classification (germline): Uncertain significance. Review status: criteria provided, multiple submitters, no conflicts (2 of 4 stars). 3 submissions from 3 submitters: Uncertain significance (3). Last evaluated 2026-07-11.

Conditions:
SCLT1-related disorder. Also called: SCLT1-related condition.

Allele frequency attached by ClinVar (database versions not stated): gnomAD 0.00001; TOPMed 0.00002; ExAC 0.00004.
gnomAD v4.1: 15 of 1,599,526 alleles (0.00094%); highest among the groups gnomAD compares: Admixed American, 0.022%; no homozygotes.

Submissions (3):

PreventionGenetics, part of Exact Sciences
Classification: Uncertain significance for SCLT1-related condition. Last evaluated: 2026-07-11. Review status: criteria provided, single submitter. Criteria: ACMG Guidelines, 2015. Collection method: clinical testing. Allele origin: germline.
Comment: The SCLT1 c.531T>A variant is predicted to result in the amino acid substitution p.Phe177Leu. To our knowledge, this variant has not been reported in the literature. This variant is reported in 0.031% of alleles in individuals of Latino descent in gnomAD. At this time, the clinical significance of this variant is uncertain due to the absence of conclusive functional and genetic evidence.

Ambry Genetics
Classification: Uncertain significance. Last evaluated: 2025-07-15. Review status: criteria provided, single submitter. Criteria: Ambry Variant Classification Scheme 2023. Collection method: clinical testing. Allele origin: germline.

Labcorp Genetics (formerly Invitae), Labcorp
Classification: Uncertain significance. Last evaluated: 2022-10-13. Review status: criteria provided, single submitter. Criteria: Invitae Variant Classification Sherloc (09022015). Collection method: clinical testing. Allele origin: germline.
Comment: This sequence change replaces phenylalanine, which is neutral and non-polar, with leucine, which is neutral and non-polar, at codon 177 of the SCLT1 protein (p.Phe177Leu). This variant is present in population databases (rs200312901, gnomAD 0.03%). This variant has not been reported in the literature in individuals affected with SCLT1-related conditions. ClinVar contains an entry for this variant (Variation ID: 1403447). Algorithms developed to predict the effect of missense changes on protein structure and function output the following: SIFT: "Tolerated"; PolyPhen-2: "Benign"; Align-GVGD: "Class C0". The leucine amino acid residue is found in multiple mammalian species, which suggests that this missense change does not adversely affect protein function. In summary, the available evidence is currently insufficient to determine the role of this variant in disease. Therefore, it has been classified as a Variant of Uncertain Significance.